The following is an entry in ClinVar:

ClinVar aggregate classification (germline): Benign (3 of 4 stars; one submission).

Conditions:
Breast-ovarian cancer, familial, susceptibility to, 2 (BROVCA2). Also called: BRCA2 Hereditary Breast and Ovarian Cancer. Identifiers: Orphanet 145, MedGen C2675520, MONDO:0012933, OMIM 612555. Disease mechanism: loss of function.

Allele frequency attached by ClinVar (database versions not stated): gnomAD 0.23110 and 0.23712; TOPMed 0.23656; 1000 Genomes Project 0.24820; 1000 Genomes Project 30x 0.24844.
gnomAD v4.1: 35,867 of 150,790 alleles (24%); highest among the groups gnomAD compares: South Asian, 36%; 4,707 homozygotes.

Submission:

Evidence-based Network for the Interpretation of Germline Mutant Alleles (ENIGMA)
Classification: Benign for Breast-ovarian cancer, familial 2. Last evaluated: 2015-01-12. Review status: reviewed by expert panel. Criteria: ENIGMA BRCA1/2 Classification Criteria (2015). Collection method: curation. Allele origin: germline.
Comment: Class 1 not pathogenic based on frequency >1% in an outbred sampleset. Frequency 0.243 (Asian), 0.1016 (African), 0.2836 (European), derived from 1000 genomes (2012-04-30).

NM_000059.4(BRCA2):c.7007+3851C>T

Gene: BRCA2 (BRCA2 DNA repair associated; plus strand). Cytogenetic location: 13q13.1.
Variant type: single nucleotide variant.
Coding change: c.7007+3851C>T on transcript NM_000059.4 (MANE Select); 3851 bases into the intron after coding-DNA position 7007, C replaced by T.
Molecular consequence: intron variant.
Genome position (GRCh38, 1-based): chr13:32,350,747, C>T. VCF-style: chr13-32350747-C-T. GRCh37 (hg19) VCF-style: chr13-32924884-C-T.
Other names: IVS 13+3851C>T.
Identifiers: ClinVar variation 209738 (VCV000209738.1), dbSNP rs559067, ClinGen allele CA276706.
Genomic context (GRCh38, chr13:32,350,747, plus strand): 5'-AGCTTTCAGTGAGCCGAGATTGCACCACTGCACTCCAGCCTGGGCGAGAGAGCGAGACTC[C>T]GTCTCAAAAAAAAAACAACAAAATAAAAAAATAAAATAAAATATACTGCCTATTAATACT-3'